The following is an entry in ClinVar:

ClinVar aggregate classification (germline): Uncertain significance (1 of 4 stars; one submission).

Submission:

GeneDx
Classification: Uncertain significance. Last evaluated: 2023-06-13. Review status: criteria provided, single submitter. Criteria: GeneDx Variant Classification Process June 2021. Collection method: clinical testing. Allele origin: germline. Affected: yes.
Comment: Not observed at significant frequency in large population cohorts (gnomAD); In silico analysis supports that this missense variant has a deleterious effect on protein structure/function; Has not been previously published as pathogenic or benign to our knowledge; Variants in candidate genes are classified as variants of uncertain significance in accordance with ACMG guidelines (Richards et al., 2015)

NM_138383.3(MTSS2):c.101C>G (p.Ser34Cys)

Gene: MTSS2 (MTSS I-BAR domain containing 2; minus strand). Cytogenetic location: 16q22.1.
Variant type: single nucleotide variant.
Coding change: c.101C>G on transcript NM_138383.3 (MANE Select); coding-DNA position 101, C replaced by G.
Protein change: p.Ser34Cys; replaces serine 34 with cysteine.
Molecular consequence: missense variant.
Genome position (GRCh38, 1-based): chr16:70,680,994, G>C on the plus strand (C>G on the coding strand, the complement: MTSS2 is on the minus strand). VCF-style: chr16-70680994-G-C. GRCh37 (hg19) VCF-style: chr16-70714897-G-C.
Other names: short protein forms S34C.
Identifiers: ClinVar variation 3359822 (VCV003359822.1).